The following is an entry in ClinVar:

NM_019032.6(ADAMTSL4):c.2210G>A (p.Arg737His)

Gene: ADAMTSL4 (ADAMTS like 4; plus strand). Cytogenetic location: 1q21.2.
Variant type: single nucleotide variant.
Coding change: c.2210G>A on transcript NM_019032.6 (MANE Select); coding-DNA position 2210, G replaced by A.
Protein change: p.Arg737His; replaces arginine 737 with histidine.
Molecular consequence: missense variant.
Genome position (GRCh38, 1-based): chr1:150,557,977, G>A. VCF-style: chr1-150557977-G-A. GRCh37 (hg19) VCF-style: chr1-150530453-G-A.
Other names: c.2093G>A, p.Arg698His (NM_001288607.2); c.2279G>A, p.Arg760His (NM_001288608.2); c.2210G>A, p.Arg737His (NM_001378596.1, NM_025008.5); c.2210G>A (NM_019032.4); short protein forms R760H, R698H, R737H.
Identifiers: ClinVar variation 1474436 (VCV001474436.4), dbSNP rs776511106, ClinGen allele CA1078586.

ClinVar aggregate classification (germline): Uncertain significance. Review status: criteria provided, multiple submitters, no conflicts (2 of 4 stars). 2 submissions from 2 submitters: Uncertain significance (2). Last evaluated 2024-03-25.

Conditions:
Inborn genetic diseases. Identifiers: MedGen C0950123, MeSH D030342.

Allele frequency attached by ClinVar (database versions not stated): gnomAD 0.00001 and 0.00002; TOPMed 0.00002; gnomAD exomes 0.00004; ExAC 0.00005.
gnomAD v4.1: 43 of 1,610,316 alleles (0.0027%); highest among the groups gnomAD compares: South Asian, 0.027%; no homozygotes.

Submissions (2):

Ambry Genetics
Classification: Uncertain significance for Inborn genetic diseases. Last evaluated: 2024-03-25. Review status: criteria provided, single submitter. Criteria: Ambry Variant Classification Scheme 2023. Collection method: clinical testing. Allele origin: germline.

Labcorp Genetics (formerly Invitae), Labcorp
Classification: Uncertain significance. Last evaluated: 2021-12-14. Review status: criteria provided, single submitter. Criteria: Invitae Variant Classification Sherloc (09022015). Collection method: clinical testing. Allele origin: germline.
Comment: This sequence change replaces arginine, which is basic and polar, with histidine, which is basic and polar, at codon 737 of the ADAMTSL4 protein (p.Arg737His). This variant is present in population databases (rs776511106, gnomAD 0.02%). This variant has not been reported in the literature in individuals affected with ADAMTSL4-related conditions. Algorithms developed to predict the effect of missense changes on protein structure and function (SIFT, PolyPhen-2, Align-GVGD) all suggest that this variant is likely to be disruptive. In summary, the available evidence is currently insufficient to determine the role of this variant in disease. Therefore, it has been classified as a Variant of Uncertain Significance.